The following is an entry in ClinVar:

ClinVar aggregate classification (germline): Benign/Likely benign. Review status: criteria provided, multiple submitters, no conflicts (2 of 4 stars). 3 submissions from 3 submitters: Benign (2); Likely benign (1). Last evaluated 2026-01-01.

Allele frequency attached by ClinVar (database versions not stated): gnomAD exomes 0.00092; ExAC 0.00122; gnomAD 0.00346 and 0.00370; 1000 Genomes Project 0.00379; 1000 Genomes Project 30x 0.00390; TOPMed 0.00405; ESP Exome Variant Server 0.00454.
gnomAD v4.1: 997 of 1,613,280 alleles (0.062%); highest among the groups gnomAD compares: African/African-American, 1.2%; 8 homozygotes.

Submissions (3):

CeGaT Center for Human Genetics Tuebingen
Classification: Likely benign. Last evaluated: 2026-01-01. Review status: criteria provided, single submitter. Criteria: CeGaT Center For Human Genetics Tuebingen Variant Classification Criteria Version 2. Collection method: clinical testing. Allele origin: germline. Affected: yes. Observed: 3 variant alleles.
Comment: CAMTA1: BP4, BP7, BS1

Labcorp Genetics (formerly Invitae), Labcorp
Classification: Benign. Last evaluated: 2025-12-17. Review status: criteria provided, single submitter. Criteria: Invitae Variant Classification Sherloc (09022015). Collection method: clinical testing. Allele origin: germline.

Mayo Clinic Laboratories, Mayo Clinic
Classification: Benign. Last evaluated: 2024-02-20. Review status: criteria provided, single submitter. Criteria: ACMG Guidelines, 2015. Collection method: clinical testing. Allele origin: germline. Observed: 4 variant alleles.
Comment: BS1, BS2, BP4, BP7

NM_015215.4(CAMTA1):c.1983C>T (p.His661=)

Gene: CAMTA1 (calmodulin binding transcription activator 1; plus strand). Cytogenetic location: 1p36.23.
Variant type: single nucleotide variant.
Coding change: c.1983C>T on transcript NM_015215.4 (MANE Select); coding-DNA position 1983, C replaced by T.
Protein change: p.His661=; no amino-acid change (histidine 661 retained).
Molecular consequence: synonymous variant.
Genome position (GRCh38, 1-based): chr1:7,664,530, C>T. VCF-style: chr1-7664530-C-T. GRCh37 (hg19) VCF-style: chr1-7724590-C-T.
Other names: p.His661=; c.1893C>T, p.His631= (NM_001349608.2, NM_001349612.2); c.1983C>T, p.His661= (NM_001349609.2, NM_001349610.2).
Identifiers: ClinVar variation 713672 (VCV000713672.33), dbSNP rs61744124, ClinGen allele CA566543.
Genomic context (GRCh38, chr1:7,664,530, plus strand): 5'-CTTCGTGATGCCCACGGTGAAAACGGAGGCCTCGTCCCAAACCAGCTCCTGCAGCGGTCA[C>T]GTGGAGACGCGGATCGAGTCCACTTCCTCCCTCCACCTCATGCAGTTCCAGGCCAACTTC-3'
Protein context (NP_056030.1, residues 651-671): ASSQTSSCSG[His661=]VETRIESTSS